The following is an entry in ClinVar:

NM_174878.3(CLRN1):c.364A>T (p.Asn122Tyr)

Gene: CLRN1 (clarin 1; minus strand). Cytogenetic location: 3q25.1.
Variant type: single nucleotide variant.
Coding change: c.364A>T on transcript NM_174878.3 (MANE Select); coding-DNA position 364, A replaced by T.
Protein change: p.Asn122Tyr; replaces asparagine 122 with tyrosine.
Molecular consequence: missense variant. On other transcripts: non-coding transcript variant (1).
Genome position (GRCh38, 1-based): chr3:150,941,651, T>A on the plus strand (A>T on the coding strand, the complement: CLRN1 is on the minus strand). VCF-style: chr3-150941651-T-A. GRCh37 (hg19) VCF-style: chr3-150659438-T-A.
Other names: c.364A>T, p.Asn122Tyr (NM_001195794.1); c.536A>T, p.Gln179Leu (NM_001256819.2); c.136A>T, p.Asn46Tyr (NM_052995.2); short protein forms N46Y, N122Y, Q179L.
Identifiers: ClinVar variation 2191809 (VCV002191809.1), dbSNP rs2472782421, ClinGen allele CA354955514.

ClinVar aggregate classification (germline): Uncertain significance (1 of 4 stars; one submission).

Submission:

Labcorp Genetics (formerly Invitae), Labcorp
Classification: Uncertain significance. Last evaluated: 2022-07-30. Review status: criteria provided, single submitter. Criteria: Invitae Variant Classification Sherloc (09022015). Collection method: clinical testing. Allele origin: germline.
Comment: This sequence change replaces asparagine, which is neutral and polar, with tyrosine, which is neutral and polar, at codon 122 of the CLRN1 protein (p.Asn122Tyr). This variant is not present in population databases (gnomAD no frequency). This variant has not been reported in the literature in individuals affected with CLRN1-related conditions. Algorithms developed to predict the effect of missense changes on protein structure and function are either unavailable or do not agree on the potential impact of this missense change (SIFT: "Deleterious"; PolyPhen-2: "Probably Damaging"; Align-GVGD: "Class C15"). In summary, the available evidence is currently insufficient to determine the role of this variant in disease. Therefore, it has been classified as a Variant of Uncertain Significance.